The following is an entry in ClinVar:

NM_001863.5(COX6B1):c.-36C>G

Gene: COX6B1 (cytochrome c oxidase subunit 6B1; plus strand). Cytogenetic location: 19q13.12.
Variant type: single nucleotide variant.
Coding change: c.-36C>G on transcript NM_001863.5 (MANE Select); 36 bases upstream of the start codon, C replaced by G.
Molecular consequence: 5 prime UTR variant.
Genome position (GRCh38, 1-based): chr19:35,648,379, C>G. VCF-style: chr19-35648379-C-G. GRCh37 (hg19) VCF-style: chr19-36139281-C-G.
Other names: c.-36C>G (LRG_1246t1).
Identifiers: ClinVar variation 507940 (VCV000507940.1), dbSNP rs1555719662, ClinGen allele CA658799184.
Genomic context (GRCh38, chr19:35,648,379, plus strand): 5'-TGGTAGTAGTTCCGCTTCCTGTCCGACTGTGGTGTCTTTGCTGAGGGTCACATTGAGCTG[C>G]AGGTTGAATCCGGGGTGCCTTTAGGTGAGTGTGGAGGGTTCTGTAACCTGGGACCCCAGT-3'

ClinVar aggregate classification (germline): Likely benign (1 of 4 stars; one submission).

Submission:

GeneDx
Classification: Likely benign. Last evaluated: 2017-03-21. Review status: criteria provided, single submitter. Criteria: GeneDx Variant Classification (06012015). Collection method: clinical testing. Allele origin: germline. Affected: yes.
Comment: This variant is considered likely benign or benign based on one or more of the following criteria: it is a conservative change, it occurs at a poorly conserved position in the protein, it is predicted to be benign by multiple in silico algorithms, and/or has population frequency not consistent with disease.